The following is an entry in ClinVar:

ClinVar aggregate classification (germline): Pathogenic (1 of 4 stars; one submission).

Conditions:
Greig cephalopolysyndactyly syndrome (GCPS). Also called: POLYSYNDACTYLY WITH PECULIAR SKULL SHAPE; Greig syndrome; GLI3-Related Greig Cephalopolysyndactyly Syndrome. Identifiers: Orphanet 380, MedGen C0265306, MONDO:0008287, OMIM 175700.
Pallister-Hall syndrome (PHS). Also called: HYPOTHALAMIC HAMARTOBLASTOMA, HYPOPITUITARISM, IMPERFORATE ANUS, AND POSTAXIAL POLYDACTYLY; GLI3-Related Pallister-Hall Syndrome. Identifiers: Orphanet 672, MedGen C0265220, MONDO:0007804, OMIM 146510.

Submission:

Labcorp Genetics (formerly Invitae), Labcorp
Classification: Pathogenic for Pallister-Hall syndrome; Greig cephalopolysyndactyly syndrome. Last evaluated: 2023-08-04. Review status: criteria provided, single submitter. Criteria: Invitae Variant Classification Sherloc (09022015). Collection method: clinical testing. Allele origin: germline.
Comment: For these reasons, this variant has been classified as Pathogenic. ClinVar contains an entry for this variant (Variation ID: 2022247). This variant has not been reported in the literature in individuals affected with GLI3-related conditions. This variant is not present in population databases (gnomAD no frequency). This sequence change creates a premature translational stop signal (p.Arg82Thrfs*59) in the GLI3 gene. It is expected to result in an absent or disrupted protein product. Loss-of-function variants in GLI3 are known to be pathogenic (PMID: 10441570, 15739154, 18000979, 24736735).

Literature cited by the submitters: PubMed 10441570; PubMed 15739154; PubMed 18000979; PubMed 24736735.

NM_000168.6(GLI3):c.245_299del (p.Arg82fs)

Gene: GLI3 (GLI family zinc finger 3; minus strand). Cytogenetic location: 7p14.1.
Variant type: Deletion.
Coding change: c.245_299del on transcript NM_000168.6 (MANE Select); coding-DNA positions 245 to 299, 55 bases deleted.
Protein change: p.Arg82fs; shifts the reading frame from arginine 82.
Molecular consequence: frameshift variant.
Genome position (GRCh38, 1-based): chr7:42,148,294-42,148,348, 55 bases deleted. GRCh37 (hg19): chr7:42,187,893-42,187,947.
Other names: short protein forms R82fs.
Identifiers: ClinVar variation 2022247 (VCV002022247.4), dbSNP rs2485050014, ClinGen allele CA2580077120.